The following is an entry in ClinVar:

NM_015272.5(RPGRIP1L):c.2467G>A (p.Ala823Thr)

Gene: RPGRIP1L (RPGRIP1 like; minus strand). Cytogenetic location: 16q12.2.
Variant type: single nucleotide variant.
Coding change: c.2467G>A on transcript NM_015272.5 (MANE Select); coding-DNA position 2467, G replaced by A.
Protein change: p.Ala823Thr; replaces alanine 823 with threonine.
Molecular consequence: missense variant.
Genome position (GRCh38, 1-based): chr16:53,645,841, C>T on the plus strand (G>A on the coding strand, the complement: RPGRIP1L is on the minus strand). VCF-style: chr16-53645841-C-T. GRCh37 (hg19) VCF-style: chr16-53679753-C-T.
Other names: c.2467G>A, p.Ala823Thr (NM_001127897.4, NM_001308334.3, NM_001330538.2); short protein forms A823T.
Identifiers: ClinVar variation 1003624 (VCV001003624.6), dbSNP rs1051268898, ClinGen allele CA395914557.

ClinVar aggregate classification (germline): Uncertain significance (1 of 4 stars; one submission).

Conditions:
Joubert syndrome. Also called: Familial aplasia of the vermis; CEREBELLOPARENCHYMAL DISORDER IV; JOUBERT-BOLTSHAUSER SYNDROME. Identifiers: Orphanet 475, MedGen C5979921, MONDO:0018772.
Meckel-Gruber syndrome. Also called: Dysencephalia splachnocystica; DYSENCEPHALIA SPLANCHNOCYSTICA; GRUBER SYNDROME. Identifiers: Orphanet 564, MedGen C0265215, MONDO:0018921.

Submission:

Labcorp Genetics (formerly Invitae), Labcorp
Classification: Uncertain significance for Joubert syndrome; Meckel-Gruber syndrome. Last evaluated: 2022-02-11. Review status: criteria provided, single submitter. Criteria: Invitae Variant Classification Sherloc (09022015). Collection method: clinical testing. Allele origin: germline.
Comment: This sequence change replaces alanine, which is neutral and non-polar, with threonine, which is neutral and polar, at codon 823 of the RPGRIP1L protein (p.Ala823Thr). This variant is not present in population databases (gnomAD no frequency). This variant has not been reported in the literature in individuals affected with RPGRIP1L-related conditions. ClinVar contains an entry for this variant (Variation ID: 1003624). Algorithms developed to predict the effect of missense changes on protein structure and function (SIFT, PolyPhen-2, Align-GVGD) all suggest that this variant is likely to be tolerated. In summary, the available evidence is currently insufficient to determine the role of this variant in disease. Therefore, it has been classified as a Variant of Uncertain Significance.